The following is an entry in ClinVar:

NM_000179.3(MSH6):c.85C>T (p.Arg29Cys)

Gene: MSH6 (mutS homolog 6; plus strand). Cytogenetic location: 2p16.3.
Variant type: single nucleotide variant.
Coding change: c.85C>T on transcript NM_000179.3 (MANE Select); coding-DNA position 85, C replaced by T.
Protein change: p.Arg29Cys; replaces arginine 29 with cysteine.
Molecular consequence: missense variant. On other transcripts: 5 prime UTR variant (1).
Genome position (GRCh38, 1-based): chr2:47,783,318, C>T. VCF-style: chr2-47783318-C-T. GRCh37 (hg19) VCF-style: chr2-48010457-C-T.
Other names: c.85C>T, p.Arg29Cys (NM_001281492.2); c.-652C>T (NM_001281493.2); short protein forms R29C.
Identifiers: ClinVar variation 485850 (VCV000485850.21), dbSNP rs756589186, ClinGen allele CA346734808.

ClinVar aggregate classification (germline): Uncertain significance. Review status: criteria provided, multiple submitters, no conflicts (2 of 4 stars). 4 submissions from 4 submitters: Uncertain significance (4). Last evaluated 2025-05-16.

Conditions:
Hereditary cancer-predisposing syndrome. Also called: Tumor predisposition; Hereditary Cancer Syndrome; Hereditary neoplastic syndrome; Neoplastic Syndromes, Hereditary. Identifiers: Orphanet 140162, MedGen C0027672, MeSH D009386, MONDO:0015356.
Hereditary nonpolyposis colorectal neoplasms. Identifiers: MedGen C0009405, MeSH D003123.
Lynch syndrome 5 (LYNCH5). Also called: Hereditary non-polyposis colorectal cancer, type 5; Colorectal cancer, hereditary nonpolyposis, type 5. Identifiers: Orphanet 144, MedGen C1833477, MONDO:0013710, OMIM 614350. Disease mechanism: loss of function.

Submissions (4):

Ambry Genetics
Classification: Uncertain significance for Hereditary cancer-predisposing syndrome. Last evaluated: 2025-05-16. Review status: criteria provided, single submitter. Criteria: Ambry Variant Classification Scheme 2023. Collection method: clinical testing. Allele origin: germline.
Comment: The p.R29C variant (also known as c.85C>T), located in coding exon 1 of the MSH6 gene, results from a C to T substitution at nucleotide position 85. The arginine at codon 29 is replaced by cysteine, an amino acid with highly dissimilar properties. This amino acid position is poorly conserved in available vertebrate species. In addition, this alteration is predicted to be tolerated by in silico analysis. Since supporting evidence is limited at this time, the clinical significance of this alteration remains unclear.

Color Diagnostics, LLC DBA Color Health
Classification: Uncertain significance for Hereditary cancer-predisposing syndrome. Last evaluated: 2025-02-23. Review status: criteria provided, single submitter. Criteria: ACMG Guidelines, 2015. Collection method: clinical testing. Allele origin: germline.
Comment: This missense variant replaces arginine with cysteine at codon 29 of the MSH6 protein. Computational prediction suggests that this variant may not impact protein structure and function (internally defined REVEL score threshold <= 0.5, PMID: 27666373). To our knowledge, functional studies have not been reported for this variant. This variant has not been reported in individuals affected with MSH6-related disorders in the literature. This variant has not been identified in the general population by the Genome Aggregation Database (gnomAD). The available evidence is insufficient to determine the role of this variant in disease conclusively. Therefore, this variant is classified as a Variant of Uncertain Significance.

Neuberg Centre For Genomic Medicine, NCGM
Classification: Uncertain significance for Lynch syndrome 5. Last evaluated: 2023-05-20. Review status: criteria provided, single submitter. Criteria: ACMG Guidelines, 2015. Collection method: clinical testing. Allele origin: germline. Inheritance: Autosomal dominant inheritance. Affected: yes.
Comment: The observed missense variant c.85C>T(p.Arg29Cys) in the MSH6 gene has not been reported previously as a pathogenic variant nor as a benign variant, to our knowledge. This variant is reported with the allele frequency 0.003% in the gnomAD Exomes. This variant has been reported to the ClinVar database as Uncertain Significance by multiple submitters. However, no details are available for independent assessment. The amino acid Arginine at position 29 is changed to a Cysteine changing protein sequence and it might alter its composition and physico- chemical properties. Multiple lines of computational evidence (Polyphen - Benign, SIFT - Tolerated and MutationTaster - Polymorphism) predict no damaging effect on protein structure and function for this variant. The residue is conserved by GERP++ and PhyloP across 100 vertebrates. For these reasons, this variant has been classified as Uncertain Significance.

Labcorp Genetics (formerly Invitae), Labcorp
Classification: Uncertain significance for Hereditary nonpolyposis colorectal neoplasms. Last evaluated: 2018-09-11. Review status: criteria provided, single submitter. Criteria: Invitae Variant Classification Sherloc (09022015). Collection method: clinical testing. Allele origin: germline.
Comment: In summary, the available evidence is currently insufficient to determine the role of this variant in disease. Therefore, it has been classified as a Variant of Uncertain Significance. This sequence change replaces arginine with cysteine at codon 29 of the MSH6 protein (p.Arg29Cys). The arginine residue is weakly conserved and there is a large physicochemical difference between arginine and cysteine. This variant is not present in population databases (ExAC no frequency). This variant has not been reported in the literature in individuals with MSH6-related disease. ClinVar contains an entry for this variant (Variation ID: 485850). Algorithms developed to predict the effect of missense changes on protein structure and function (SIFT, PolyPhen-2, Align-GVGD) all suggest that this variant is likely to be tolerated, but these predictions have not been confirmed by published functional studies and their clinical significance is uncertain.